The following is an entry in ClinVar:

NM_001348716.2(KDM6B):c.572A>G (p.Lys191Arg)

Gene: KDM6B (lysine demethylase 6B; plus strand). Cytogenetic location: 17p13.1.
Variant type: single nucleotide variant.
Coding change: c.572A>G on transcript NM_001348716.2 (MANE Select); coding-DNA position 572, A replaced by G.
Protein change: p.Lys191Arg; replaces lysine 191 with arginine.
Molecular consequence: missense variant.
Genome position (GRCh38, 1-based): chr17:7,846,601, A>G. VCF-style: chr17-7846601-A-G. GRCh37 (hg19) VCF-style: chr17-7749919-A-G.
Other names: c.572A>G, p.Lys191Arg (NM_001080424.2); short protein forms K191R.
Identifiers: ClinVar variation 2647390 (VCV002647390.24), dbSNP rs2544521653, ClinGen allele CA397913062.
Genomic context (GRCh38, chr17:7,846,601, plus strand): 5'-CACCCGTGCCATTTTCTCTTCTCTCTTTTTGTTCTCAGCACAAACGGAACTATGGAGCCA[A>G]GCGGGGAGGTCCCCCGGTGAAGCGAGCTGCTGAACCCCCAGTGGTGCAGCCTGTGCCTCC-3'
Protein context (NP_001335645.1, residues 181-201): HLEHKRNYGA[Lys191Arg]RGGPPVKRAA

ClinVar aggregate classification (germline): Likely benign (1 of 4 stars; one submission).

Submission:

CeGaT Center for Human Genetics Tuebingen
Classification: Likely benign. Last evaluated: 2022-10-01. Review status: criteria provided, single submitter. Criteria: CeGaT Center For Human Genetics Tuebingen Variant Classification Criteria Version 2. Collection method: clinical testing. Allele origin: germline. Affected: yes. Observed: 1 variant allele.
Comment: KDM6B: PM2, BS2